The following is an entry in ClinVar:

NM_014991.6(WDFY3):c.9611G>T (p.Ser3204Ile)

Gene: WDFY3 (WD repeat and FYVE domain containing 3; minus strand). Cytogenetic location: 4q21.23.
Variant type: single nucleotide variant.
Coding change: c.9611G>T on transcript NM_014991.6 (MANE Select); coding-DNA position 9611, G replaced by T.
Protein change: p.Ser3204Ile; replaces serine 3204 with isoleucine.
Molecular consequence: missense variant.
Genome position (GRCh38, 1-based): chr4:84,684,058, C>A on the plus strand (G>T on the coding strand, the complement: WDFY3 is on the minus strand). VCF-style: chr4-84684058-C-A. GRCh37 (hg19) VCF-style: chr4-85605211-C-A.
Other names: short protein forms S3204I.
Identifiers: ClinVar variation 1708631 (VCV001708631.2), dbSNP rs1727880454, ClinGen allele CA357267981.

ClinVar aggregate classification (germline): Uncertain significance (1 of 4 stars; one submission).

gnomAD v4.1: 2 of 1,613,592 alleles (0.00012%); highest among the groups gnomAD compares: Non-Finnish European, 0.00017%; no homozygotes.

Submission:

GeneDx
Classification: Uncertain significance. Last evaluated: 2022-10-01. Review status: criteria provided, single submitter. Criteria: GeneDx Variant Classification Process June 2021. Collection method: clinical testing. Allele origin: germline. Affected: yes.
Comment: Not observed at significant frequency in large population cohorts (gnomAD); In silico analysis supports that this missense variant has a deleterious effect on protein structure/function; In silico analysis suggests this variant may impact gene splicing. In the absence of RNA/functional studies, the actual effect of this sequence change is unknown.; Has not been previously published as pathogenic or benign to our knowledge